The following is an entry in ClinVar:

NM_001385.3(DPYS):c.1089C>T (p.Gly363=)

Gene: DPYS (dihydropyrimidinase; minus strand). Cytogenetic location: 8q22.3.
Variant type: single nucleotide variant.
Coding change: c.1089C>T on transcript NM_001385.3 (MANE Select); coding-DNA position 1089, C replaced by T.
Protein change: p.Gly363=; no amino-acid change (glycine 363 retained).
Molecular consequence: synonymous variant.
Genome position (GRCh38, 1-based): chr8:104,427,983, G>A on the plus strand (C>T on the coding strand, the complement: DPYS is on the minus strand). VCF-style: chr8-104427983-G-A. GRCh37 (hg19) VCF-style: chr8-105440211-G-A.
Identifiers: ClinVar variation 2192877 (VCV002192877.4), dbSNP rs373819650, ClinGen allele CA4838376.

ClinVar aggregate classification (germline): Uncertain significance (1 of 4 stars; one submission).

Allele frequency attached by ClinVar (database versions not stated): TOPMed 0.00005; ESP Exome Variant Server 0.00008.
gnomAD v4.1: 79 of 1,613,986 alleles (0.0049%); highest among the groups gnomAD compares: Non-Finnish European, 0.0062%; no homozygotes.

Submission:

Labcorp Genetics (formerly Invitae), Labcorp
Classification: Uncertain significance. Last evaluated: 2024-10-22. Review status: criteria provided, single submitter. Criteria: Invitae Variant Classification Sherloc (09022015). Collection method: clinical testing. Allele origin: germline.
Comment: This sequence change affects codon 363 of the DPYS mRNA. It is a 'silent' change, meaning that it does not change the encoded amino acid sequence of the DPYS protein. This variant is present in population databases (rs373819650, gnomAD 0.005%). This variant has not been reported in the literature in individuals affected with DPYS-related conditions. ClinVar contains an entry for this variant (Variation ID: 2192877). Algorithms developed to predict the effect of sequence changes on RNA splicing suggest that this variant may disrupt the consensus splice site. In summary, the available evidence is currently insufficient to determine the role of this variant in disease. Therefore, it has been classified as a Variant of Uncertain Significance.